The following is an entry in ClinVar:

NM_000836.4(GRIN2D):c.1429C>A (p.Pro477Thr)

Gene: GRIN2D (glutamate ionotropic receptor NMDA type subunit 2D; plus strand). Cytogenetic location: 19q13.33.
Variant type: single nucleotide variant.
Coding change: c.1429C>A on transcript NM_000836.4 (MANE Select); coding-DNA position 1429, C replaced by A.
Protein change: p.Pro477Thr; replaces proline 477 with threonine.
Molecular consequence: missense variant.
Genome position (GRCh38, 1-based): chr19:48,414,880, C>A. VCF-style: chr19-48414880-C-A. GRCh37 (hg19) VCF-style: chr19-48918137-C-A.
Other names: short protein forms P477T.
Identifiers: ClinVar variation 3667412 (VCV003667412.3).

ClinVar aggregate classification (germline): Uncertain significance. Review status: criteria provided, multiple submitters, no conflicts (2 of 4 stars). 2 submissions from 2 submitters: Uncertain significance (2). Last evaluated 2025-10-16.

Submissions (2):

Women's Health and Genetics/Laboratory Corporation of America, LabCorp
Classification: Uncertain significance. Last evaluated: 2025-10-16. Review status: criteria provided, single submitter. Criteria: LabCorp Variant Classification Summary - May 2015. Collection method: clinical testing. Allele origin: germline.
Comment: Variant summary: GRIN2D c.1429C>A (p.Pro477Thr) results in a non-conservative amino acid change in the encoded protein sequence. Algorithms developed to predict the effect of missense changes on protein structure and function are either unavailable or do not agree on the potential impact of this missense change. The variant was absent in 250828 control chromosomes. The available data on variant occurrences in the general population are insufficient to allow any conclusion about variant significance. To our knowledge, no occurrence of c.1429C>A in individuals affected with GRIN2D-related conditions and no experimental evidence demonstrating its impact on protein function have been reported. ClinVar contains an entry for this variant (Variation ID: 3667412). Based on the evidence outlined above, the variant was classified as uncertain significance.

Labcorp Genetics (formerly Invitae), Labcorp
Classification: Uncertain significance. Last evaluated: 2024-09-12. Review status: criteria provided, single submitter. Criteria: Invitae Variant Classification Sherloc (09022015). Collection method: clinical testing. Allele origin: germline.
Comment: This sequence change replaces proline, which is neutral and non-polar, with threonine, which is neutral and polar, at codon 477 of the GRIN2D protein (p.Pro477Thr). This variant is not present in population databases (gnomAD no frequency). This variant has not been reported in the literature in individuals affected with GRIN2D-related conditions. Invitae Evidence Modeling of protein sequence and biophysical properties (such as structural, functional, and spatial information, amino acid conservation, physicochemical variation, residue mobility, and thermodynamic stability) indicates that this missense variant is not expected to disrupt GRIN2D protein function with a negative predictive value of 80%. In summary, the available evidence is currently insufficient to determine the role of this variant in disease. Therefore, it has been classified as a Variant of Uncertain Significance.